The following is an entry in ClinVar:

NM_004006.3(DMD):c.5213C>T (p.Ala1738Val)

Gene: DMD (dystrophin; minus strand). Cytogenetic location: Xp21.1.
Variant type: single nucleotide variant.
Coding change: c.5213C>T on transcript NM_004006.3 (MANE Select); coding-DNA position 5213, C replaced by T.
Protein change: p.Ala1738Val; replaces alanine 1738 with valine.
Molecular consequence: missense variant.
Genome position (GRCh38, 1-based): chrX:32,362,900, G>A on the plus strand (C>T on the coding strand, the complement: DMD is on the minus strand). VCF-style: chrX-32362900-G-A. GRCh37 (hg19) VCF-style: chrX-32381017-G-A.
Other names: c.5189C>T, p.Ala1730Val (NM_000109.4); c.5201C>T, p.Ala1734Val (NM_004009.3); c.4844C>T, p.Ala1615Val (NM_004010.3); c.1190C>T, p.Ala397Val (NM_004011.4); c.1181C>T, p.Ala394Val (NM_004012.4); short protein forms A1734V, A1738V, A1615V, A394V, A1730V, A397V.
Identifiers: ClinVar variation 3695466 (VCV003695466.2).

ClinVar aggregate classification (germline): Uncertain significance (1 of 4 stars; one submission).

Conditions:
Duchenne muscular dystrophy (DMD). Also called: MUSCULAR DYSTROPHY, PSEUDOHYPERTROPHIC PROGRESSIVE, DUCHENNE TYPE; Duchenne Muscular Dystrophy (DMD). Identifiers: Orphanet 98896, MedGen C0013264, MONDO:0010679, OMIM 310200.

Submission:

Labcorp Genetics (formerly Invitae), Labcorp
Classification: Uncertain significance for Duchenne muscular dystrophy. Last evaluated: 2024-05-29. Review status: criteria provided, single submitter. Criteria: Invitae Variant Classification Sherloc (09022015). Collection method: clinical testing. Allele origin: germline.
Comment: This sequence change replaces alanine, which is neutral and non-polar, with valine, which is neutral and non-polar, at codon 1738 of the DMD protein (p.Ala1738Val). This variant is not present in population databases (gnomAD no frequency). This variant has not been reported in the literature in individuals affected with DMD-related conditions. Advanced modeling of protein sequence and biophysical properties (such as structural, functional, and spatial information, amino acid conservation, physicochemical variation, residue mobility, and thermodynamic stability) performed at Invitae indicates that this missense variant is not expected to disrupt DMD protein function with a negative predictive value of 95%. In summary, the available evidence is currently insufficient to determine the role of this variant in disease. Therefore, it has been classified as a Variant of Uncertain Significance.